The following is an entry in ClinVar:

ClinVar aggregate classification (germline): Pathogenic (1 of 4 stars; one submission).

Conditions:
Intellectual developmental disorder, autosomal dominant 72 (MRD72). Identifiers: Orphanet 652487, MedGen C5830612, MONDO:0957397, OMIM 620439.

Submission:

Clinical Genomics Laboratory, Stanford Medicine
Classification: Pathogenic for Intellectual developmental disorder, autosomal dominant 72. Last evaluated: 2022-07-05. Review status: criteria provided, single submitter. Criteria: ACMG Guidelines, 2015. Collection method: clinical testing. Allele origin: de novo. Inheritance: Autosomal dominant inheritance. Affected: yes. Observed: 1 variant allele, 1 heterozygote.
Comment: This variant was absent from large population databases, including the Genome Aggregation Database. This variant results in a 71 bp deletion, which causes a shift in the protein reading frame, leading to a premature termination codon 58 amino acids downstream. Heterozygous loss of function is an established mechanism of disease for the SRRM2 gene. These data were assessed using the ACMG/AMP variant interpretation guidelines. In summary, there is sufficient evidence to classify the p.Ala2177Cysfs*58 variant as pathogenic for the autosomal dominant SRRM2-associated neurodevelopmental disorder based on the information above. [ACMG evidence codes used: PVS1; PS2_moderate; PM2]

NM_016333.4(SRRM2):c.6528_6598del (p.Ala2177fs)

Gene: SRRM2 (serine/arginine repetitive matrix 2; plus strand). Cytogenetic location: 16p13.3.
Variant type: Deletion.
Coding change: c.6528_6598del on transcript NM_016333.4 (MANE Select); coding-DNA positions 6528 to 6598, 71 bases deleted.
Protein change: p.Ala2177fs; shifts the reading frame from alanine 2177.
Molecular consequence: frameshift variant.
Genome position (GRCh38, 1-based): chr16:2,767,056-2,767,126, 71 bases deleted. GRCh37 (hg19): chr16:2,817,057-2,817,127.
Other names: short protein forms A2177fs.
Identifiers: ClinVar variation 3900975 (VCV003900975.1).